The following is an entry in ClinVar:

ClinVar aggregate classification (germline): Likely benign. Review status: criteria provided, multiple submitters, no conflicts (2 of 4 stars). 2 submissions from 2 submitters: Likely benign (2). Last evaluated 2018-06-19.

Allele frequency attached by ClinVar (database versions not stated): 1000 Genomes Project 0.01018; 1000 Genomes Project 30x 0.01140; TOPMed 0.01934; ExAC 0.01940; gnomAD 0.02008 and 0.02087; ESP Exome Variant Server 0.02045; gnomAD exomes 0.02081 and 0.02669.
gnomAD v4.1: 41,927 of 1,610,740 alleles (2.6%); highest among the groups gnomAD compares: Middle Eastern, 3%; 643 homozygotes.

Submissions (2):

GeneDx
Classification: Likely benign. Last evaluated: 2018-06-19. Review status: criteria provided, single submitter. Criteria: GeneDx Variant Classification (06012015). Collection method: clinical testing. Allele origin: germline. Affected: yes.
Comment: This variant is considered likely benign or benign based on one or more of the following criteria: it is a conservative change, it occurs at a poorly conserved position in the protein, it is predicted to be benign by multiple in silico algorithms, and/or has population frequency not consistent with disease.

Breakthrough Genomics
Classification: Likely benign. Review status: criteria provided, single submitter. Criteria: ACMG Guidelines, 2015. Collection method: not provided. Allele origin: germline. Inheritance: Autosomal dominant inheritance. Affected: yes.

NM_025219.3(DNAJC5):c.322-35G>A

Gene: DNAJC5 (DnaJ heat shock protein family (Hsp40) member C5; plus strand). Cytogenetic location: 20q13.33.
Variant type: single nucleotide variant.
Coding change: c.322-35G>A on transcript NM_025219.3 (MANE Select); 35 bases into the intron before coding-DNA position 322, G replaced by A.
Molecular consequence: intron variant.
Genome position (GRCh38, 1-based): chr20:63,930,816, G>A. VCF-style: chr20-63930816-G-A. GRCh37 (hg19) VCF-style: chr20-62562169-G-A.
Identifiers: ClinVar variation 670886 (VCV000670886.2), dbSNP rs77884883, ClinGen allele CA9969712.